The following is an entry in ClinVar:

ClinVar aggregate classification (germline): Likely pathogenic (1 of 4 stars; one submission).

Conditions:
Polycystic kidney disease, adult type (PKD1). Also called: Polycystic Kidney Disease 1, Autosomal Dominant; Polycystic kidney disease 1; Polycystic kidney disease 1, severe; POLYCYSTIC KIDNEY DISEASE, ADULT, TYPE I; Polycystic Kidney, Autosomal Dominant; POLYCYSTIC KIDNEY DISEASE 1 WITH OR WITHOUT POLYCYSTIC LIVER DISEASE. Identifiers: MedGen C3149841, MONDO:0008263, OMIM 173900.

Submission:

Shanghai First Maternity and Infant Hospital, Tongji University
Classification: Likely pathogenic for Polycystic kidney disease, adult type. Last evaluated: 2022-11-09. Review status: criteria provided, single submitter. Criteria: Zhang et al. (Curr Protoc Hum Genet. 2020). Collection method: clinical testing. Allele origin: germline. Inheritance: Autosomal dominant inheritance. Affected: yes. Observed: 9 variant alleles.
Comment: PM2_Supporting, PP4, PP1_Strong (7 segs in 2 Chinese families)

NM_001009944.3(PKD1):c.11657G>C (p.Arg3886Pro)

Genes: PKD1 (polycystin 1, transient receptor potential channel interacting; minus strand), PKD1-AS1 (PKD1 antisense RNA 1; plus strand). Cytogenetic location: 16p13.3.
Variant type: single nucleotide variant.
Coding change: c.11657G>C on transcript NM_001009944.3 (MANE Select); coding-DNA position 11657, G replaced by C.
Protein change: p.Arg3886Pro; replaces arginine 3886 with proline.
Molecular consequence: missense variant. On other transcripts: non-coding transcript variant (1).
Genome position (GRCh38, 1-based): chr16:2,091,478, C>G on the plus strand (G>C on the coding strand, the complement: PKD1 is on the minus strand). VCF-style: chr16-2091478-C-G. GRCh37 (hg19) VCF-style: chr16-2141479-C-G.
Other names: c.11654G>C, p.Arg3885Pro (NM_000296.4); short protein forms R3885P, R3886P.
Identifiers: ClinVar variation 1723147 (VCV001723147.2), dbSNP rs773875298, ClinGen allele CA394331730.